The following is an entry in ClinVar:

NM_000238.4(KCNH2):c.3357G>C (p.Glu1119Asp)

Gene: KCNH2 (potassium voltage-gated channel subfamily H member 2; minus strand). Cytogenetic location: 7q36.1.
Variant type: single nucleotide variant.
Coding change: c.3357G>C on transcript NM_000238.4 (MANE Select); coding-DNA position 3357, G replaced by C.
Protein change: p.Glu1119Asp; replaces glutamic acid 1119 with aspartic acid.
Molecular consequence: missense variant. On other transcripts: non-coding transcript variant (2).
Genome position (GRCh38, 1-based): chr7:150,945,488, C>G on the plus strand (G>C on the coding strand, the complement: KCNH2 is on the minus strand). VCF-style: chr7-150945488-C-G. GRCh37 (hg19) VCF-style: chr7-150642576-C-G.
Other names: c.3069G>C, p.Glu1023Asp (NM_001406753.1); c.2337G>C, p.Glu779Asp (NM_172057.3); short protein forms E1023D, E1119D, E779D.
Identifiers: ClinVar variation 2764951 (VCV002764951.3), dbSNP rs1389024546, ClinGen allele CA369851575.

ClinVar aggregate classification (germline): Uncertain significance (1 of 4 stars; one submission).

Conditions:
Long QT syndrome (LQTS). Identifiers: MedGen C0023976, MeSH D008133, MONDO:0002442. Disease mechanism: loss of function. Inheritance: Various modes of inheritance.

Submission:

Labcorp Genetics (formerly Invitae), Labcorp
Classification: Uncertain significance for Long QT syndrome. Last evaluated: 2023-10-04. Review status: criteria provided, single submitter. Criteria: Invitae Variant Classification Sherloc (09022015). Collection method: clinical testing. Allele origin: germline.
Comment: This sequence change replaces glutamic acid, which is acidic and polar, with aspartic acid, which is acidic and polar, at codon 1119 of the KCNH2 protein (p.Glu1119Asp). This variant is not present in population databases (gnomAD no frequency). This variant has not been reported in the literature in individuals affected with KCNH2-related conditions. An algorithm developed to predict the effect of missense changes on protein structure and function (PolyPhen-2) suggests that this variant is likely to be tolerated. In summary, the available evidence is currently insufficient to determine the role of this variant in disease. Therefore, it has been classified as a Variant of Uncertain Significance.